The following is an entry in ClinVar:

ClinVar aggregate classification (germline): Uncertain significance (1 of 4 stars; one submission).

Conditions:
Inborn genetic diseases. Identifiers: MedGen C0950123, MeSH D030342.

gnomAD v4.1: 19 of 1,610,858 alleles (0.0012%); highest among the groups gnomAD compares: East Asian, 0.018%; no homozygotes.

Submission:

Ambry Genetics
Classification: Uncertain significance for Inborn genetic diseases. Last evaluated: 2025-01-11. Review status: criteria provided, single submitter. Criteria: Ambry Variant Classification Scheme 2023. Collection method: clinical testing. Allele origin: germline.
Comment: The p.R255H variant (also known as c.764G>A), located in coding exon 4 of the ERCC6L2 gene, results from a G to A substitution at nucleotide position 764. The arginine at codon 255 is replaced by histidine, an amino acid with highly similar properties. This amino acid position is conserved. In addition, this alteration is predicted to be deleterious by in silico analysis. Based on the available evidence, the clinical significance of this variant remains unclear.

NM_020207.7(ERCC6L2):c.764G>A (p.Arg255His)

Gene: ERCC6L2 (ERCC excision repair 6 like 2; plus strand). Cytogenetic location: 9q22.32.
Variant type: single nucleotide variant.
Coding change: c.764G>A on transcript NM_020207.7 (MANE Select); coding-DNA position 764, G replaced by A.
Protein change: p.Arg255His; replaces arginine 255 with histidine.
Molecular consequence: missense variant. On other transcripts: non-coding transcript variant (1).
Genome position (GRCh38, 1-based): chr9:95,907,247, G>A. VCF-style: chr9-95907247-G-A. GRCh37 (hg19) VCF-style: chr9-98669529-G-A.
Other names: c.764G>A, p.Arg255His (NM_001010895.4, NM_001375291.1, NM_001375292.1 and 2 more transcripts); short protein forms R255H.
Identifiers: ClinVar variation 3845866 (VCV003845866.1).
Genomic context (GRCh38, chr9:95,907,247, plus strand): 5'-AATTAATTCGTGTAAAGCAGAGGAAATGTGAAATTGCTCTAACAACTTATGAAACACTAC[G>A]CTTATGCCTGGATGAACTTAACAGGTAATGGGAATAATAGGAATAGGAATGATTGTATTA-3'
Protein context (NP_064592.3, residues 245-265): EIALTTYETL[Arg255His]LCLDELNSLE